The following is an entry in ClinVar:

ClinVar aggregate classification (germline): Uncertain significance. Review status: criteria provided, multiple submitters, no conflicts (2 of 4 stars). 3 submissions from 3 submitters: Uncertain significance (3). Last evaluated 2026-08-22.

Conditions:
Telangiectasia, hereditary hemorrhagic, type 2 (HHT2). Also called: Telangiectasia, hereditary hemorrhagic, type II; ACVRL1-Related Hereditary Hemorrhagic Telangiectasia. Identifiers: Orphanet 774, MedGen C1838163, MONDO:0010880, OMIM 600376. Disease mechanism: loss of function.
Cardiovascular phenotype. Identifiers: MedGen CN230736.

Allele frequency attached by ClinVar (database versions not stated): ExAC 0.00004; gnomAD 0.00003.

Submissions (3):

Ambry Genetics
Classification: Uncertain significance for Cardiovascular phenotype. Last evaluated: 2026-08-22. Review status: criteria provided, single submitter. Criteria: Ambry Variant Classification Scheme 2023. Collection method: clinical testing. Allele origin: germline.
Comment: The p.L123Q variant (also known as c.368T>A), located in coding exon 3 of the ACVRL1 gene, results from a T to A substitution at nucleotide position 368. The leucine at codon 123 is replaced by glutamine, an amino acid with dissimilar properties. This amino acid position is conserved. In addition, this alteration is predicted to be deleterious by in silico analysis. Based on the available evidence, the clinical significance of this variant remains unclear.

Fulgent Genetics
Classification: Uncertain significance for Telangiectasia, hereditary hemorrhagic, type 2. Last evaluated: 2024-03-21. Review status: criteria provided, single submitter. Criteria: ACMG Guidelines, 2015. Collection method: clinical testing. Allele origin: germline.

Labcorp Genetics (formerly Invitae), Labcorp
Classification: Uncertain significance for Telangiectasia, hereditary hemorrhagic, type 2. Last evaluated: 2022-01-16. Review status: criteria provided, single submitter. Criteria: Invitae Variant Classification Sherloc (09022015). Collection method: clinical testing. Allele origin: germline.
Comment: This sequence change replaces leucine, which is neutral and non-polar, with glutamine, which is neutral and polar, at codon 123 of the ACVRL1 protein (p.Leu123Gln). This variant is present in population databases (rs762756031, gnomAD 0.006%). This variant has not been reported in the literature in individuals affected with ACVRL1-related conditions. Algorithms developed to predict the effect of missense changes on protein structure and function (SIFT, PolyPhen-2, Align-GVGD) all suggest that this variant is likely to be disruptive. Algorithms developed to predict the effect of sequence changes on RNA splicing suggest that this variant may create or strengthen a splice site. In summary, the available evidence is currently insufficient to determine the role of this variant in disease. Therefore, it has been classified as a Variant of Uncertain Significance.

NM_000020.3(ACVRL1):c.368T>A (p.Leu123Gln)

Gene: ACVRL1 (activin A receptor like type 1; plus strand). Cytogenetic location: 12q13.13.
Variant type: single nucleotide variant.
Coding change: c.368T>A on transcript NM_000020.3 (MANE Select); coding-DNA position 368, T replaced by A.
Protein change: p.Leu123Gln; replaces leucine 123 with glutamine.
Molecular consequence: missense variant.
Genome position (GRCh38, 1-based): chr12:51,913,613, T>A. VCF-style: chr12-51913613-T-A. GRCh37 (hg19) VCF-style: chr12-52307397-T-A.
Other names: c.368T>A, p.Leu123Gln (NM_001077401.2, NM_001406487.1, NM_001406488.1 and 1 more transcripts); short protein forms L123Q.
Identifiers: ClinVar variation 2154421 (VCV002154421.3), dbSNP rs762756031, ClinGen allele CA6572894.